The following is an entry in ClinVar:

NM_033100.4(CDHR1):c.232A>G (p.Arg78Gly)

Gene: CDHR1 (cadherin related family member 1; plus strand). Cytogenetic location: 10q23.1.
Variant type: single nucleotide variant.
Coding change: c.232A>G on transcript NM_033100.4 (MANE Select); coding-DNA position 232, A replaced by G.
Protein change: p.Arg78Gly; replaces arginine 78 with glycine.
Molecular consequence: missense variant.
Genome position (GRCh38, 1-based): chr10:84,196,585, A>G. VCF-style: chr10-84196585-A-G. GRCh37 (hg19) VCF-style: chr10-85956341-A-G.
Other names: c.232A>G, p.Arg78Gly (NM_001171971.3); short protein forms R78G.
Identifiers: ClinVar variation 1478206 (VCV001478206.8), dbSNP rs2132788029, ClinGen allele CA377370360.

ClinVar aggregate classification (germline): Uncertain significance (1 of 4 stars; one submission).

Submission:

Labcorp Genetics (formerly Invitae), Labcorp
Classification: Uncertain significance. Last evaluated: 2020-11-11. Review status: criteria provided, single submitter. Criteria: Invitae Variant Classification Sherloc (09022015). Collection method: clinical testing. Allele origin: germline.
Comment: In summary, the available evidence is currently insufficient to determine the role of this variant in disease. Therefore, it has been classified as a Variant of Uncertain Significance. Advanced modeling of protein sequence and biophysical properties (such as structural, functional, and spatial information, amino acid conservation, physicochemical variation, residue mobility, and thermodynamic stability) performed at Invitae indicates that this missense variant is not expected to disrupt CDHR1 protein function. This variant has not been reported in the literature in individuals with CDHR1-related conditions. This variant is not present in population databases (ExAC no frequency). This sequence change replaces arginine with glycine at codon 78 of the CDHR1 protein (p.Arg78Gly). The arginine residue is moderately conserved and there is a moderate physicochemical difference between arginine and glycine.